The following is an entry in ClinVar:

NM_024408.4(NOTCH2):c.3366C>A (p.His1122Gln)

Gene: NOTCH2 (notch receptor 2; minus strand). Cytogenetic location: 1p12.
Variant type: single nucleotide variant.
Coding change: c.3366C>A on transcript NM_024408.4 (MANE Select); coding-DNA position 3366, C replaced by A.
Protein change: p.His1122Gln; replaces histidine 1122 with glutamine.
Molecular consequence: missense variant.
Genome position (GRCh38, 1-based): chr1:119,937,438, G>T on the plus strand (C>A on the coding strand, the complement: NOTCH2 is on the minus strand). VCF-style: chr1-119937438-G-T. GRCh37 (hg19) VCF-style: chr1-120480061-G-T.
Other names: c.3366C>A, p.His1122Gln (NM_001200001.2); short protein forms H1122Q.
Identifiers: ClinVar variation 3650026 (VCV003650026.2).

ClinVar aggregate classification (germline): Uncertain significance (1 of 4 stars; one submission).

Conditions:
Hajdu-Cheney syndrome (HJCYS). Also called: ACROOSTEOLYSIS WITH OSTEOPOROSIS AND CHANGES IN SKULL AND MANDIBLE; SERPENTINE FIBULA-POLYCYSTIC KIDNEY SYNDROME; Acroosteolysis dominant type. Identifiers: Orphanet 955, MedGen C0917715, MONDO:0007057, OMIM 102500.

Submission:

Labcorp Genetics (formerly Invitae), Labcorp
Classification: Uncertain significance for Hajdu-Cheney syndrome. Last evaluated: 2024-04-25. Review status: criteria provided, single submitter. Criteria: Invitae Variant Classification Sherloc (09022015). Collection method: clinical testing. Allele origin: germline.
Comment: This sequence change replaces histidine, which is basic and polar, with glutamine, which is neutral and polar, at codon 1122 of the NOTCH2 protein (p.His1122Gln). This variant is not present in population databases (gnomAD no frequency). This variant has not been reported in the literature in individuals affected with NOTCH2-related conditions. Advanced modeling of protein sequence and biophysical properties (such as structural, functional, and spatial information, amino acid conservation, physicochemical variation, residue mobility, and thermodynamic stability) performed at Invitae indicates that this missense variant is not expected to disrupt NOTCH2 protein function with a negative predictive value of 80%. In summary, the available evidence is currently insufficient to determine the role of this variant in disease. Therefore, it has been classified as a Variant of Uncertain Significance.